The following is an entry in ClinVar:

NM_000660.7(TGFB1):c.169C>A (p.Leu57Met)

Genes: TGFB1 (transforming growth factor beta 1; minus strand), LOC130064510 (ATAC-STARR-seq lymphoblastoid silent region 10661; plus strand). Cytogenetic location: 19q13.2.
Variant type: single nucleotide variant.
Coding change: c.169C>A on transcript NM_000660.7 (MANE Select); coding-DNA position 169, C replaced by A.
Protein change: p.Leu57Met; replaces leucine 57 with methionine.
Molecular consequence: missense variant.
Genome position (GRCh38, 1-based): chr19:41,352,876, G>T on the plus strand (C>A on the coding strand, the complement: TGFB1 is on the minus strand). VCF-style: chr19-41352876-G-T. GRCh37 (hg19) VCF-style: chr19-41858781-G-T.
Other names: short protein forms L57M.
Identifiers: ClinVar variation 1415059 (VCV001415059.7), dbSNP rs1203938760, ClinGen allele CA406005843.

ClinVar aggregate classification (germline): Uncertain significance. Review status: criteria provided, multiple submitters, no conflicts (2 of 4 stars). 2 submissions from 2 submitters: Uncertain significance (2). Last evaluated 2025-07-06.

Allele frequency attached by ClinVar (database versions not stated): gnomAD 0.00001.
gnomAD v4.1: 14 of 1,564,288 alleles (0.00089%); highest among the groups gnomAD compares: Non-Finnish European, 0.0012%; no homozygotes.

Submissions (2):

Labcorp Genetics (formerly Invitae), Labcorp
Classification: Uncertain significance. Last evaluated: 2025-07-06. Review status: criteria provided, single submitter. Criteria: Invitae Variant Classification Sherloc (09022015). Collection method: clinical testing. Allele origin: germline.
Comment: This sequence change replaces leucine, which is neutral and non-polar, with methionine, which is neutral and non-polar, at codon 57 of the TGFB1 protein (p.Leu57Met). This variant is present in population databases (no rsID available, gnomAD 0.001%). This variant has not been reported in the literature in individuals affected with TGFB1-related conditions. ClinVar contains an entry for this variant (Variation ID: 1415059). Invitae Evidence Modeling of protein sequence and biophysical properties (such as structural, functional, and spatial information, amino acid conservation, physicochemical variation, residue mobility, and thermodynamic stability) indicates that this missense variant is not expected to disrupt TGFB1 protein function with a negative predictive value of 80%. In summary, the available evidence is currently insufficient to determine the role of this variant in disease. Therefore, it has been classified as a Variant of Uncertain Significance.

Blueprint Genetics
Classification: Uncertain significance. Last evaluated: 2021-02-26. Review status: criteria provided, single submitter. Criteria: ACMG Guidelines, 2015. Collection method: clinical testing. Allele origin: germline.